The following is an entry in ClinVar:

ClinVar aggregate classification (germline): Uncertain significance (1 of 4 stars; one submission).

Conditions:
Cardiovascular phenotype. Identifiers: MedGen CN230736.

gnomAD v4.1: 2 of 1,614,176 alleles (0.00012%); highest among the groups gnomAD compares: South Asian, 0.0022%; no homozygotes.

Submission:

Ambry Genetics
Classification: Uncertain significance for Cardiovascular phenotype. Last evaluated: 2026-01-21. Review status: criteria provided, single submitter. Criteria: Ambry Variant Classification Scheme 2023. Collection method: clinical testing. Allele origin: germline.
Comment: The p.G361D variant (also known as c.1082G>A), located in coding exon 5 of the ALPK3 gene, results from a G to A substitution at nucleotide position 1082. The glycine at codon 361 is replaced by aspartic acid, an amino acid with similar properties. This variant was reported in individual(s) with features consistent with hypertrophic cardiomyopathy (Ambry internal data). This amino acid position is highly conserved in available vertebrate species. In addition, the in silico prediction for this alteration is inconclusive. Based on the available evidence, the clinical significance of this variant remains unclear.

NM_020778.5(ALPK3):c.476G>A (p.Gly159Asp)

Gene: ALPK3 (alpha kinase 3; plus strand). Cytogenetic location: 15q25.3.
Variant type: single nucleotide variant.
Coding change: c.476G>A on transcript NM_020778.5 (MANE Select); coding-DNA position 476, G replaced by A.
Protein change: p.Gly159Asp; replaces glycine 159 with aspartic acid.
Molecular consequence: missense variant.
Genome position (GRCh38, 1-based): chr15:84,839,755, G>A. VCF-style: chr15-84839755-G-A. GRCh37 (hg19) VCF-style: chr15-85382986-G-A.
Other names: short protein forms G159D.
Identifiers: ClinVar variation 4841954 (VCV004841954.1).
Genomic context (GRCh38, chr15:84,839,755, plus strand): 5'-CCTCTAGGTGTCGAGAAGAAGATGCCGCCATCTACCAGGCCTCTGCCCAGAACAGCAAGG[G>A]CATTGTGTCCTGCTCAGGGGTCCTGGAGGTGGGCACCATGACTGAGTACAAGATCCACCA-3'
Protein context (NP_065829.4, residues 149-169): IYQASAQNSK[Gly159Asp]IVSCSGVLEV